The following is an entry in ClinVar:

NM_207361.6(FREM2):c.5170C>G (p.Gln1724Glu)

Gene: FREM2 (FRAS1 related extracellular matrix 2; plus strand). Cytogenetic location: 13q13.3.
Variant type: single nucleotide variant.
Coding change: c.5170C>G on transcript NM_207361.6 (MANE Select); coding-DNA position 5170, C replaced by G.
Protein change: p.Gln1724Glu; replaces glutamine 1724 with glutamic acid.
Molecular consequence: missense variant.
Genome position (GRCh38, 1-based): chr13:38,692,514, C>G. VCF-style: chr13-38692514-C-G. GRCh37 (hg19) VCF-style: chr13-39266651-C-G.
Other names: short protein forms Q1724E.
Identifiers: ClinVar variation 1955281 (VCV001955281.5), dbSNP rs1869937903, ClinGen allele CA387894693.

ClinVar aggregate classification (germline): Uncertain significance (1 of 4 stars; one submission).

Submission:

Labcorp Genetics (formerly Invitae), Labcorp
Classification: Uncertain significance. Last evaluated: 2022-04-02. Review status: criteria provided, single submitter. Criteria: Invitae Variant Classification Sherloc (09022015). Collection method: clinical testing. Allele origin: germline.
Comment: This variant has not been reported in the literature in individuals affected with FREM2-related conditions. Algorithms developed to predict the effect of missense changes on protein structure and function are either unavailable or do not agree on the potential impact of this missense change (SIFT: "Deleterious"; PolyPhen-2: "Probably Damaging"; Align-GVGD: "Class C0"). This variant is not present in population databases (gnomAD no frequency). This sequence change replaces glutamine, which is neutral and polar, with glutamic acid, which is acidic and polar, at codon 1724 of the FREM2 protein (p.Gln1724Glu). In summary, the available evidence is currently insufficient to determine the role of this variant in disease. Therefore, it has been classified as a Variant of Uncertain Significance.